The following is an entry in ClinVar:

NM_000388.4(CASR):c.1019G>A (p.Arg340Lys)

Gene: CASR (calcium sensing receptor; plus strand). Cytogenetic location: 3q21.1.
Variant type: single nucleotide variant.
Coding change: c.1019G>A on transcript NM_000388.4 (MANE Select); coding-DNA position 1019, G replaced by A.
Protein change: p.Arg340Lys; replaces arginine 340 with lysine.
Molecular consequence: missense variant.
Genome position (GRCh38, 1-based): chr3:122,262,054, G>A. VCF-style: chr3-122262054-G-A. GRCh37 (hg19) VCF-style: chr3-121980901-G-A.
Other names: c.1019G>A, p.Arg340Lys (NM_001178065.2); short protein forms R340K.
Identifiers: ClinVar variation 818263 (VCV000818263.14), dbSNP rs768228172, ClinGen allele CA2569577.

ClinVar aggregate classification (germline): Conflicting classifications of pathogenicity. Review status: criteria provided, conflicting classifications (1 of 4 stars). 2 submissions from 2 submitters: Uncertain significance (1); Likely benign (1). Last evaluated 2025-05-11.

Conditions:
Nephrolithiasis/nephrocalcinosis. Identifiers: MedGen CN580796.
Autosomal dominant hypocalcemia 1 (HYPOC1). Also called: HYPOCALCEMIA, FAMILIAL. Identifiers: MedGen C3715128, MONDO:0011013, OMIM 601198.
Familial hypocalciuric hypercalcemia (FHH). Also called: Familial benign hypercalcemia. Identifiers: Orphanet 405, MedGen C1809471, MONDO:0018458.

Allele frequency attached by ClinVar (database versions not stated): gnomAD exomes below 0.00001 and 0.00001; ExAC 0.00002.
gnomAD v4.1: 6 of 1,614,162 alleles (0.00037%); highest among the groups gnomAD compares: Non-Finnish European, 0.00051%; no homozygotes.

Submissions (2):

Labcorp Genetics (formerly Invitae), Labcorp
Classification: Uncertain significance for Familial hypocalciuric hypercalcemia; Autosomal dominant hypocalcemia 1. Last evaluated: 2025-05-11. Review status: criteria provided, single submitter. Criteria: Invitae Variant Classification Sherloc (09022015). Collection method: clinical testing. Allele origin: germline.
Comment: This sequence change replaces arginine, which is basic and polar, with lysine, which is basic and polar, at codon 340 of the CASR protein (p.Arg340Lys). This variant is present in population databases (rs768228172, gnomAD 0.002%). This variant has not been reported in the literature in individuals affected with CASR-related conditions. ClinVar contains an entry for this variant (Variation ID: 818263). An algorithm developed to predict the effect of missense changes on protein structure and function outputs the following: PolyPhen-2: "Benign". The lysine amino acid residue is found in multiple mammalian species, which suggests that this missense change does not adversely affect protein function. In summary, the available evidence is currently insufficient to determine the role of this variant in disease. Therefore, it has been classified as a Variant of Uncertain Significance.

Ambry Genetics
Classification: Likely benign for Nephrolithiasis/nephrocalcinosis. Last evaluated: 2019-04-04. Review status: criteria provided, single submitter. Criteria: Ambry Variant Classification Scheme 2023. Collection method: clinical testing. Allele origin: germline.